The following is an entry in ClinVar:

NM_182914.3(SYNE2):c.11976+5G>A

Gene: SYNE2 (spectrin repeat containing nuclear envelope protein 2; plus strand). Cytogenetic location: 14q23.2.
Variant type: single nucleotide variant.
Coding change: c.11976+5G>A on transcript NM_182914.3 (MANE Select); 5 bases into the intron after coding-DNA position 11976, G replaced by A.
Molecular consequence: intron variant.
Genome position (GRCh38, 1-based): chr14:64,091,053, G>A. VCF-style: chr14-64091053-G-A. GRCh37 (hg19) VCF-style: chr14-64557771-G-A.
Other names: c.11976+5G>A (NM_015180.6).
Identifiers: ClinVar variation 664918 (VCV000664918.8), dbSNP rs772490248, ClinGen allele CA614735301.

ClinVar aggregate classification (germline): Uncertain significance (1 of 4 stars; one submission).

Conditions:
Emery-Dreifuss muscular dystrophy 5, autosomal dominant (EDMD5). Also called: EMERY-DREIFUSS MUSCULAR DYSTROPHY 5. Identifiers: Orphanet 261, MedGen C2751805, MONDO:0013072, OMIM 612999.

gnomAD v4.1: 4 of 1,613,602 alleles (0.00025%); highest among the groups gnomAD compares: Middle Eastern, 0.017%; no homozygotes.

Submission:

Labcorp Genetics (formerly Invitae), Labcorp
Classification: Uncertain significance for Emery-Dreifuss muscular dystrophy 5, autosomal dominant. Last evaluated: 2025-05-27. Review status: criteria provided, single submitter. Criteria: Invitae Variant Classification Sherloc (09022015). Collection method: clinical testing. Allele origin: germline.
Comment: This sequence change falls in intron 60 of the SYNE2 gene. It does not directly change the encoded amino acid sequence of the SYNE2 protein. It affects a nucleotide within the consensus splice site. This variant is present in population databases (no rsID available, gnomAD 0.0009%). This variant has not been reported in the literature in individuals affected with SYNE2-related conditions. ClinVar contains an entry for this variant (Variation ID: 664918). Variants that disrupt the consensus splice site are a relatively common cause of aberrant splicing (PMID: 17576681, 9536098). Algorithms developed to predict the effect of sequence changes on RNA splicing suggest that this variant is not likely to affect RNA splicing. In summary, the available evidence is currently insufficient to determine the role of this variant in disease. Therefore, it has been classified as a Variant of Uncertain Significance.

Literature cited by the submitters: PubMed 17576681; PubMed 9536098.